The following is an entry in ClinVar:

ClinVar aggregate classification (germline): Uncertain significance. Review status: criteria provided, multiple submitters, no conflicts (2 of 4 stars). 4 submissions from 4 submitters: Uncertain significance (4). Last evaluated 2026-01-11.

Conditions:
PLEC-related disorder. Also called: PLEC-related disorders; PLEC-related condition.
Autosomal recessive limb-girdle muscular dystrophy type 2Q (LGMDR17). Also called: MUSCULAR DYSTROPHY, LIMB-GIRDLE, AUTOSOMAL RECESSIVE 17. Identifiers: Orphanet 254361, MedGen C3150989, MONDO:0013390, OMIM 613723.
Epidermolysis bullosa simplex, Ogna type (EBS5A). Also called: Pidermolysis bullosa simplex 5A, Ogna type; EPIDERMOLYSIS BULLOSA SIMPLEX 5A, OGNA TYPE. Identifiers: Orphanet 79401, MedGen C0432317, MONDO:0007555, OMIM 131950.
Epidermolysis bullosa simplex 5B, with muscular dystrophy (EBS5B). Also called: Epidermolysis bullosa simplex with muscular dystrophy; EPIDERMOLYSIS BULLOSA SIMPLEX AND LIMB-GIRDLE MUSCULAR DYSTROPHY. Identifiers: Orphanet 257, MedGen C2931072, MONDO:0009181, OMIM 226670.
Epidermolysis bullosa simplex with nail dystrophy (EBS5D). Identifiers: MedGen C4225309, MONDO:0014661, OMIM 616487.
Epidermolysis bullosa simplex 5C, with pyloric atresia (EBS5C). Also called: PLEC1-Related Epidermolysis Bullosa with Pyloric Atresia; PLEC-Related Epidermolysis Bullosa with Pyloric Atresia; Epidermolysis bullosa simplex with pyloric atresia. Identifiers: Orphanet 158684, MedGen C2677349, MONDO:0012807, OMIM 612138.
Inborn genetic diseases. Identifiers: MedGen C0950123, MeSH D030342.

Allele frequency attached by ClinVar (database versions not stated): gnomAD exomes 0.00002 and 0.00004; TOPMed 0.00002; ExAC 0.00004; gnomAD 0.00004 and 0.00005; 1000 Genomes Project 30x 0.00016; 1000 Genomes Project 0.00020.
gnomAD v4.1: 29 of 1,586,458 alleles (0.0018%); highest among the groups gnomAD compares: Admixed American, 0.0068%; no homozygotes.

Submissions (4):

Labcorp Genetics (formerly Invitae), Labcorp
Classification: Uncertain significance for Autosomal recessive limb-girdle muscular dystrophy type 2Q; Epidermolysis bullosa simplex, Ogna type; Epidermolysis bullosa simplex with nail dystrophy; Epidermolysis bullosa simplex 5C, with pyloric atresia; Epidermolysis bullosa simplex 5B, with muscular dystrophy. Last evaluated: 2026-01-11. Review status: criteria provided, single submitter. Criteria: Invitae Variant Classification Sherloc (09022015). Collection method: clinical testing. Allele origin: germline.
Comment: This sequence change replaces arginine, which is basic and polar, with glutamine, which is neutral and polar, at codon 1538 of the PLEC protein (p.Arg1538Gln). This variant is present in population databases (rs375947559, gnomAD 0.007%). This variant has not been reported in the literature in individuals affected with PLEC-related conditions. ClinVar contains an entry for this variant (Variation ID: 946187). Invitae Evidence Modeling of protein sequence and biophysical properties (such as structural, functional, and spatial information, amino acid conservation, physicochemical variation, residue mobility, and thermodynamic stability) indicates that this missense variant is not expected to disrupt PLEC protein function with a negative predictive value of 80%. In summary, the available evidence is currently insufficient to determine the role of this variant in disease. Therefore, it has been classified as a Variant of Uncertain Significance.

PreventionGenetics, part of Exact Sciences
Classification: Uncertain significance for PLEC-related condition. Last evaluated: 2025-09-11. Review status: criteria provided, single submitter. Criteria: ACMG Guidelines, 2015. Collection method: clinical testing. Allele origin: germline.
Comment: The PLEC c.4613G>A variant is predicted to result in the amino acid substitution p.Arg1538Gln. To our knowledge, this variant has not been reported in the literature. This variant is reported in 0.0071% of alleles in individuals of South Asian descent in gnomAD. At this time, the clinical significance of this variant is uncertain due to the absence of conclusive functional and genetic evidence.

Revvity Omics, Revvity
Classification: Uncertain significance. Last evaluated: 2024-06-14. Review status: criteria provided, single submitter. Criteria: ACMG Guidelines, 2015. Collection method: clinical testing. Allele origin: germline.

Ambry Genetics
Classification: Uncertain significance for Inborn genetic diseases. Last evaluated: 2023-12-14. Review status: criteria provided, single submitter. Criteria: Ambry Variant Classification Scheme 2023. Collection method: clinical testing. Allele origin: germline.

NM_201384.3(PLEC):c.4532G>A (p.Arg1511Gln)

Gene: PLEC (plectin; minus strand). Cytogenetic location: 8q24.3.
Variant type: single nucleotide variant.
Coding change: c.4532G>A on transcript NM_201384.3 (MANE Select); coding-DNA position 4532, G replaced by A.
Protein change: p.Arg1511Gln; replaces arginine 1511 with glutamine.
Molecular consequence: missense variant.
Genome position (GRCh38, 1-based): chr8:143,925,397, C>T on the plus strand (G>A on the coding strand, the complement: PLEC is on the minus strand). VCF-style: chr8-143925397-C-T. GRCh37 (hg19) VCF-style: chr8-144999565-C-T.
Other names: c.4613G>A, p.Arg1538Gln (NM_000445.5); c.4490G>A, p.Arg1497Gln (NM_201378.4); c.4466G>A, p.Arg1489Gln (NM_201379.3); c.4943G>A, p.Arg1648Gln (NM_201380.4); c.4436G>A, p.Arg1479Gln (NM_201381.3); c.4532G>A, p.Arg1511Gln (NM_201382.4); c.4544G>A, p.Arg1515Gln (NM_201383.3); c.4613G>A (NM_000445.3); short protein forms R1489Q, R1511Q, R1479Q, R1497Q, R1538Q, R1515Q, R1648Q.
Identifiers: ClinVar variation 946187 (VCV000946187.11), dbSNP rs375947559, ClinGen allele CA4926632.